The following is an entry in ClinVar:

NM_000285.4(PEPD):c.624+16G>A

Gene: PEPD (peptidase D; minus strand). Cytogenetic location: 19q13.11.
Variant type: single nucleotide variant.
Coding change: c.624+16G>A on transcript NM_000285.4 (MANE Select); 16 bases into the intron after coding-DNA position 624, G replaced by A.
Molecular consequence: intron variant.
Genome position (GRCh38, 1-based): chr19:33,463,971, C>T on the plus strand (G>A on the coding strand, the complement: PEPD is on the minus strand). VCF-style: chr19-33463971-C-T. GRCh37 (hg19) VCF-style: chr19-33954877-C-T.
Other names: p.?; c.432+16G>A (NM_001166057.2); c.548+14075G>A (NM_001166056.2).
Identifiers: ClinVar variation 1167152 (VCV001167152.14), dbSNP rs142369843, ClinGen allele CA9364219.

ClinVar aggregate classification (germline): Benign/Likely benign. Review status: criteria provided, multiple submitters, no conflicts (2 of 4 stars). 6 submissions from 6 submitters: Benign (3); Likely benign (1). 2 of the submissions do not count toward it. Last evaluated 2026-02-01.

Allele frequency attached by ClinVar (database versions not stated): 1000 Genomes Project 30x 0.00078; 1000 Genomes Project 0.00100; gnomAD exomes 0.00271 and 0.00416; gnomAD 0.00331 and 0.00383; ExAC 0.00335; ESP Exome Variant Server 0.00354; TOPMed 0.00386.
gnomAD v4.1: 6,449 of 1,574,436 alleles (0.41%); highest among the groups gnomAD compares: Non-Finnish European, 0.49%; 14 homozygotes.

Submissions (6):

Labcorp Genetics (formerly Invitae), Labcorp
Classification: Benign. Last evaluated: 2026-02-01. Review status: criteria provided, single submitter. Criteria: Invitae Variant Classification Sherloc (09022015). Collection method: clinical testing. Allele origin: germline.

Mayo Clinic Laboratories, Mayo Clinic
Classification: Benign. Last evaluated: 2025-09-09. Review status: criteria provided, single submitter. Criteria: ACMG Guidelines, 2015. Collection method: clinical testing. Allele origin: germline. Observed: 3 variant alleles.
Comment: BS1, BS2, BP4, BP7

Blueprint Genetics
Classification: Likely benign. Last evaluated: 2024-11-26. Review status: criteria provided, single submitter. Criteria: ACMG Guidelines, 2015. Collection method: clinical testing. Allele origin: germline.

Breakthrough Genomics
Classification: Benign. Review status: criteria provided, single submitter. Criteria: ACMG Guidelines, 2015. Collection method: not provided. Allele origin: germline. Inheritance: Autosomal recessive inheritance. Affected: yes.

Clinical Genetics, Academic Medical Center
Classification: Likely benign. Review status: no assertion criteria provided. Collection method: clinical testing. Allele origin: germline. Affected: yes. Study: VKGL Data-share Consensus. Not counted in ClinVar's aggregate classification.

Genome Diagnostics Laboratory, University Medical Center Utrecht
Classification: Likely benign. Review status: no assertion criteria provided. Collection method: clinical testing. Allele origin: germline. Affected: yes. Study: VKGL Data-share Consensus. Not counted in ClinVar's aggregate classification.